The following is an entry in ClinVar:

NM_001365951.3(KIF1B):c.62G>C (p.Ser21Thr)

Genes: KIF1B (kinesin family member 1B; plus strand), LOC129388446 (MPRA-validated peak64 silencer; plus strand). Cytogenetic location: 1p36.22.
Variant type: single nucleotide variant.
Coding change: c.62G>C on transcript NM_001365951.3 (MANE Select); coding-DNA position 62, G replaced by C.
Protein change: p.Ser21Thr; replaces serine 21 with threonine.
Molecular consequence: missense variant.
Genome position (GRCh38, 1-based): chr1:10,232,390, G>C. VCF-style: chr1-10232390-G-C. GRCh37 (hg19) VCF-style: chr1-10292448-G-C.
Other names: c.62G>C, p.Ser21Thr (NM_001365952.1, NM_001365953.1, NM_015074.3 and 1 more transcripts); short protein forms S21T.
Identifiers: ClinVar variation 4043054 (VCV004043054.1).

ClinVar aggregate classification (germline): Uncertain significance (1 of 4 stars; one submission).

Submission:

Ambry Genetics
Classification: Uncertain significance. Last evaluated: 2025-06-14. Review status: criteria provided, single submitter. Criteria: Ambry Variant Classification Scheme 2023. Collection method: clinical testing. Allele origin: germline.
Comment: The p.S21T variant (also known as c.62G>C), located in coding exon 1 of the KIF1B gene, results from a G to C substitution at nucleotide position 62. The serine at codon 21 is replaced by threonine, an amino acid with similar properties. This amino acid position is conserved. In addition, this alteration is predicted to be tolerated by in silico analysis. Based on the available evidence, the clinical significance of this variant remains unclear.